The following is an entry in ClinVar:

NM_001365999.1(SZT2):c.5995C>A (p.Pro1999Thr)

Gene: SZT2 (SZT2 subunit of KICSTOR complex; plus strand). Cytogenetic location: 1p34.2.
Variant type: single nucleotide variant.
Coding change: c.5995C>A on transcript NM_001365999.1 (MANE Select); coding-DNA position 5995, C replaced by A.
Protein change: p.Pro1999Thr; replaces proline 1999 with threonine.
Molecular consequence: missense variant.
Genome position (GRCh38, 1-based): chr1:43,435,290, C>A. VCF-style: chr1-43435290-C-A. GRCh37 (hg19) VCF-style: chr1-43900961-C-A.
Other names: c.5824C>A, p.Pro1942Thr (NM_015284.4); short protein forms P1942T, P1999T.
Identifiers: ClinVar variation 1417747 (VCV001417747.6), dbSNP rs908327069, ClinGen allele CA21641893.
Genomic context (GRCh38, chr1:43,435,290, plus strand): 5'-CACGTGTGTAACTCTCTTCTGGTGGCCGAGAGTGAAGAAGATCTGTGGCGCAGTGAGACT[C>A]CCTTCCACTCCCGTCAGCGGGCACCACTGCCCAGTGATGGTGAGATCCCACCCAGGAGCC-3'
Protein context (NP_001352928.1, residues 1989-2009): SEEDLWRSET[Pro1999Thr]FHSRQRAPLP

ClinVar aggregate classification (germline): Uncertain significance (1 of 4 stars; one submission).

Allele frequency attached by ClinVar (database versions not stated): gnomAD 0.00001.

Submission:

Labcorp Genetics (formerly Invitae), Labcorp
Classification: Uncertain significance. Last evaluated: 2024-03-04. Review status: criteria provided, single submitter. Criteria: Invitae Variant Classification Sherloc (09022015). Collection method: clinical testing. Allele origin: germline.
Comment: This sequence change replaces proline, which is neutral and non-polar, with threonine, which is neutral and polar, at codon 1942 of the SZT2 protein (p.Pro1942Thr). This variant is present in population databases (no rsID available, gnomAD 0.01%). This variant has not been reported in the literature in individuals affected with SZT2-related conditions. ClinVar contains an entry for this variant (Variation ID: 1417747). Advanced modeling of protein sequence and biophysical properties (such as structural, functional, and spatial information, amino acid conservation, physicochemical variation, residue mobility, and thermodynamic stability) performed at Invitae indicates that this missense variant is expected to disrupt SZT2 protein function with a positive predictive value of 80%. In summary, the available evidence is currently insufficient to determine the role of this variant in disease. Therefore, it has been classified as a Variant of Uncertain Significance.